The following is an entry in ClinVar:

NM_139058.3(ARX):c.88G>A (p.Asp30Asn)

Gene: ARX (aristaless related homeobox; minus strand). Cytogenetic location: Xp21.3.
Variant type: single nucleotide variant.
Coding change: c.88G>A on transcript NM_139058.3 (MANE Select); coding-DNA position 88, G replaced by A.
Protein change: p.Asp30Asn; replaces aspartic acid 30 with asparagine.
Molecular consequence: missense variant.
Genome position (GRCh38, 1-based): chrX:25,015,650, C>T on the plus strand (G>A on the coding strand, the complement: ARX is on the minus strand). VCF-style: chrX-25015650-C-T. GRCh37 (hg19) VCF-style: chrX-25033767-C-T.
Other names: short protein forms D30N.
Identifiers: ClinVar variation 3753789 (VCV003753789.2).

ClinVar aggregate classification (germline): Uncertain significance (1 of 4 stars; one submission).

Conditions:
Intellectual disability, X-linked, with or without seizures, ARX-related. Also called: MENTAL RETARDATION, X-LINKED 29; MENTAL RETARDATION, X-LINKED 32; MENTAL RETARDATION, X-LINKED 33; MENTAL RETARDATION, X-LINKED 38; MENTAL RETARDATION, X-LINKED 43; MENTAL RETARDATION, X-LINKED 76. Identifiers: Orphanet 777, MedGen C0796244, MONDO:0010317, OMIM 300419.
Developmental and epileptic encephalopathy, 1 (DEE1). Also called: X-linked infantile spasms; West's syndrome; Tonic spasms with clustering, arrest of psychomotor development and hypsarrhythmia on EEG; X-Linked Infantile Spasm Syndrome; OHTAHARA SYNDROME, X-LINKED; INFANTILE SPASM SYNDROME, X-LINKED 1. Identifiers: MedGen C3463992, MONDO:0010632, OMIM 308350. Disease mechanism: loss of function.

Submission:

Labcorp Genetics (formerly Invitae), Labcorp
Classification: Uncertain significance for Developmental and epileptic encephalopathy, 1; Intellectual disability, X-linked, with or without seizures, ARX-related. Last evaluated: 2026-01-04. Review status: criteria provided, single submitter. Criteria: Invitae Variant Classification Sherloc (09022015). Collection method: clinical testing. Allele origin: germline.
Comment: This sequence change replaces aspartic acid, which is acidic and polar, with asparagine, which is neutral and polar, at codon 30 of the ARX protein (p.Asp30Asn). This variant is not present in population databases (gnomAD no frequency). This variant has not been reported in the literature in individuals affected with ARX-related conditions. ClinVar contains an entry for this variant (Variation ID: 3753789). Invitae Evidence Modeling of protein sequence and biophysical properties (such as structural, functional, and spatial information, amino acid conservation, physicochemical variation, residue mobility, and thermodynamic stability) has been performed for this missense variant. However, the output from this modeling did not meet the statistical confidence thresholds required to predict the impact of this variant on ARX protein function. In summary, the available evidence is currently insufficient to determine the role of this variant in disease. Therefore, it has been classified as a Variant of Uncertain Significance.